The following is an entry in ClinVar:

NM_020066.5(FMN2):c.4236C>T (p.Leu1412=)

Gene: FMN2 (formin 2; plus strand). Cytogenetic location: 1q43.
Variant type: single nucleotide variant.
Coding change: c.4236C>T on transcript NM_020066.5 (MANE Select); coding-DNA position 4236, C replaced by T.
Protein change: p.Leu1412=; no amino-acid change (leucine 1412 retained).
Molecular consequence: synonymous variant.
Genome position (GRCh38, 1-based): chr1:240,329,096, C>T. VCF-style: chr1-240329096-C-T. GRCh37 (hg19) VCF-style: chr1-240492396-C-T.
Other names: c.4248C>T, p.Leu1416= (NM_001305424.2); c.2157C>T, p.Leu719= (NM_001348094.2).
Identifiers: ClinVar variation 797852 (VCV000797852.29), dbSNP rs374165127, ClinGen allele CA1477453.

ClinVar aggregate classification (germline): Likely benign. Review status: criteria provided, multiple submitters, no conflicts (2 of 4 stars). 3 submissions from 3 submitters: Likely benign (2). 1 of the submissions does not count toward it. Last evaluated 2024-08-01.

Conditions:
FMN2-related disorder. Also called: FMN2-related condition.

Allele frequency attached by ClinVar (database versions not stated): TOPMed 0.00010; gnomAD exomes 0.00014 and 0.00018; ESP Exome Variant Server 0.00015; ExAC 0.00020; gnomAD 0.00021 and 0.00022.
gnomAD v4.1: 232 of 1,613,850 alleles (0.014%); highest among the groups gnomAD compares: Non-Finnish European, 0.017%; 1 homozygote.

Submissions (3):

CeGaT Center for Human Genetics Tuebingen
Classification: Likely benign. Last evaluated: 2024-08-01. Review status: criteria provided, single submitter. Criteria: CeGaT Center For Human Genetics Tuebingen Variant Classification Criteria Version 2. Collection method: clinical testing. Allele origin: germline. Affected: yes. Observed: 5 variant alleles.
Comment: FMN2: BP4, BP7

Labcorp Genetics (formerly Invitae), Labcorp
Classification: Likely benign. Last evaluated: 2019-12-31. Review status: criteria provided, single submitter. Criteria: Invitae Variant Classification Sherloc (09022015). Collection method: clinical testing. Allele origin: germline.

PreventionGenetics, part of Exact Sciences
Classification: Likely benign for FMN2-related condition. Last evaluated: 2019-08-09. Review status: no assertion criteria provided. Collection method: clinical testing. Allele origin: germline. Not counted in ClinVar's aggregate classification.
Comment: This variant is classified as likely benign based on ACMG/AMP sequence variant interpretation guidelines (Richards et al. 2015 PMID: 25741868, with internal and published modifications).